The following is an entry in ClinVar:

NM_003931.3(WASF1):c.1555G>A (p.Glu519Lys)

Gene: WASF1 (WASP family member 1; minus strand). Cytogenetic location: 6q21.
Variant type: single nucleotide variant.
Coding change: c.1555G>A on transcript NM_003931.3 (MANE Select); coding-DNA position 1555, G replaced by A.
Protein change: p.Glu519Lys; replaces glutamic acid 519 with lysine.
Molecular consequence: missense variant.
Genome position (GRCh38, 1-based): chr6:110,100,647, C>T on the plus strand (G>A on the coding strand, the complement: WASF1 is on the minus strand). VCF-style: chr6-110100647-C-T. GRCh37 (hg19) VCF-style: chr6-110421850-C-T.
Other names: c.1555G>A, p.Glu519Lys (NM_001024934.2, NM_001024935.2, NM_001024936.2); short protein forms E519K.
Identifiers: ClinVar variation 4076307 (VCV004076307.1).
Genomic context (GRCh38, chr6:110,100,647, plus strand): 5'-TACGGCGAGACAGGATGGTGGCAACATCGTTTTCAATGCGTTCATGCTTAGCTTCCTGTT[C>T]ACGCTGCTCTTCTACTTTGCGTAGCTGAATACCTGATACAGTGAATCCAAACCATTCATT-3'
Protein context (NP_003922.1, residues 509-529): IQLRKVEEQR[Glu519Lys]QEAKHERIEN

ClinVar aggregate classification (germline): Uncertain significance (1 of 4 stars; one submission).

Conditions:
Neurodevelopmental disorder with absent language and variable seizures. Also called: ITO-RAYMOND SYNDROME. Identifiers: MedGen C5231469, MONDO:0032876, OMIM 618707.

Submission:

Laboratorio de Genetica e Diagnostico Molecular, Hospital Israelita Albert Einstein
Classification: Uncertain significance for Neurodevelopmental disorder with absent language and variable seizures. Last evaluated: 2023-04-20. Review status: criteria provided, single submitter. Criteria: ACMG Guidelines, 2015. Collection method: clinical testing. Allele origin: germline. Affected: yes.
Comment: ACMG classification criteria: PM2 moderate, BP4 supporting